The following is an entry in ClinVar:

ClinVar aggregate classification (germline): Likely pathogenic (1 of 4 stars; one submission).

Conditions:
Joubert syndrome 21 (JBTS21). Identifiers: MedGen C3810212, MONDO:0014288, OMIM 615636.

Submission:

Labcorp Genetics (formerly Invitae), Labcorp
Classification: Likely pathogenic for Joubert syndrome 21. Last evaluated: 2022-09-27. Review status: criteria provided, single submitter. Criteria: Invitae Variant Classification Sherloc (09022015). Collection method: clinical testing. Allele origin: germline.
Comment: This variant has not been reported in the literature in individuals affected with CSPP1-related conditions. This variant results in a copy number gain of the genomic region encompassing exon(s) 9-14 of the CSPP1 gene. While the exact position of this variant cannot be determined from the data, sub-genic copy number gains are generally in tandem (PMID: 25640679). This variant is predicted to be out-of-frame, and may result in an absent or disrupted protein product. Loss-of-function variants in CSPP1 are known to be pathogenic (PMID: 24360807, 24360808). In summary, the currently available evidence indicates that the variant is pathogenic, but additional data are needed to prove that conclusively. Therefore, this variant has been classified as Likely Pathogenic.

Literature cited by the submitters: PubMed 25640679; PubMed 24360807; PubMed 24360808.

NC_000008.10:g.(?_68024187)_(68044335_?)dup

Gene: CSPP1 (centrosome and spindle pole associated protein 1; plus strand). Cytogenetic location: 8q13.2.
Variant type: Duplication.
Identifiers: ClinVar variation 1525042 (VCV001525042.5).